The following is an entry in ClinVar:

NM_005422.4(TECTA):c.448G>C (p.Glu150Gln)

Genes: TBCEL-TECTA (TBCEL-TECTA readthrough; plus strand), TECTA (tectorin alpha; plus strand). Cytogenetic location: 11q23.3.
Variant type: single nucleotide variant.
Coding change: c.448G>C on transcript NM_005422.4 (MANE Select); coding-DNA position 448, G replaced by C.
Protein change: p.Glu150Gln; replaces glutamic acid 150 with glutamine.
Molecular consequence: missense variant.
Genome position (GRCh38, 1-based): chr11:121,109,460, G>C. VCF-style: chr11-121109460-G-C. GRCh37 (hg19) VCF-style: chr11-120980169-G-C.
Other names: c.1405G>C, p.Glu469Gln (NM_001378761.1); short protein forms E150Q, E469Q.
Identifiers: ClinVar variation 2807530 (VCV002807530.3), dbSNP rs1946423297, ClinGen allele CA383020960.

ClinVar aggregate classification (germline): Uncertain significance (1 of 4 stars; one submission).

Allele frequency attached by ClinVar (database versions not stated): gnomAD exomes below 0.00001.
gnomAD v4.1: 3 of 1,614,142 alleles (0.00019%); highest among the groups gnomAD compares: Non-Finnish European, 0.000085%; no homozygotes.

Submission:

Labcorp Genetics (formerly Invitae), Labcorp
Classification: Uncertain significance. Last evaluated: 2023-06-15. Review status: criteria provided, single submitter. Criteria: Invitae Variant Classification Sherloc (09022015). Collection method: clinical testing. Allele origin: germline.
Comment: This variant is not present in population databases (gnomAD no frequency). This variant has not been reported in the literature in individuals affected with TECTA-related conditions. Advanced modeling of protein sequence and biophysical properties (such as structural, functional, and spatial information, amino acid conservation, physicochemical variation, residue mobility, and thermodynamic stability) performed at Invitae indicates that this missense variant is not expected to disrupt TECTA protein function. In summary, the available evidence is currently insufficient to determine the role of this variant in disease. Therefore, it has been classified as a Variant of Uncertain Significance. This sequence change replaces glutamic acid, which is acidic and polar, with glutamine, which is neutral and polar, at codon 150 of the TECTA protein (p.Glu150Gln).